The following is an entry in ClinVar:

NM_006231.4(POLE):c.2699T>C (p.Met900Thr)

Gene: POLE (DNA polymerase epsilon, catalytic subunit; minus strand). Cytogenetic location: 12q24.33.
Variant type: single nucleotide variant.
Coding change: c.2699T>C on transcript NM_006231.4 (MANE Select); coding-DNA position 2699, T replaced by C.
Protein change: p.Met900Thr; replaces methionine 900 with threonine.
Molecular consequence: missense variant.
Genome position (GRCh38, 1-based): chr12:132,664,011, A>G on the plus strand (T>C on the coding strand, the complement: POLE is on the minus strand). VCF-style: chr12-132664011-A-G. GRCh37 (hg19) VCF-style: chr12-133240597-A-G.
Other names: short protein forms M900T.
Identifiers: ClinVar variation 1964955 (VCV001964955.5), dbSNP rs2542062049, ClinGen allele CA387394966.

ClinVar aggregate classification (germline): Uncertain significance (1 of 4 stars; one submission).

Submission:

Labcorp Genetics (formerly Invitae), Labcorp
Classification: Uncertain significance. Last evaluated: 2026-01-10. Review status: criteria provided, single submitter. Criteria: Invitae Variant Classification Sherloc (09022015). Collection method: clinical testing. Allele origin: germline.
Comment: This sequence change replaces methionine, which is neutral and non-polar, with threonine, which is neutral and polar, at codon 900 of the POLE protein (p.Met900Thr). This variant is not present in population databases (gnomAD no frequency). This variant has not been reported in the literature in individuals affected with POLE-related conditions. ClinVar contains an entry for this variant (Variation ID: 1964955). Invitae Evidence Modeling of protein sequence and biophysical properties (such as structural, functional, and spatial information, amino acid conservation, physicochemical variation, residue mobility, and thermodynamic stability) indicates that this missense variant is not expected to disrupt POLE protein function with a negative predictive value of 80%. In summary, the available evidence is currently insufficient to determine the role of this variant in disease. Therefore, it has been classified as a Variant of Uncertain Significance.